The following is an entry in ClinVar:

NM_033026.6(PCLO):c.962A>G (p.His321Arg)

Gene: PCLO (piccolo presynaptic cytomatrix protein; minus strand). Cytogenetic location: 7q21.11.
Variant type: single nucleotide variant.
Coding change: c.962A>G on transcript NM_033026.6 (MANE Select); coding-DNA position 962, A replaced by G.
Protein change: p.His321Arg; replaces histidine 321 with arginine.
Molecular consequence: missense variant.
Genome position (GRCh38, 1-based): chr7:83,155,679, T>C on the plus strand (A>G on the coding strand, the complement: PCLO is on the minus strand). VCF-style: chr7-83155679-T-C. GRCh37 (hg19) VCF-style: chr7-82784995-T-C.
Other names: c.962A>G, p.His321Arg (NM_014510.3); short protein forms H321R.
Identifiers: ClinVar variation 768172 (VCV000768172.13), dbSNP rs139392690, ClinGen allele CA4321566.

ClinVar aggregate classification (germline): Likely benign. Review status: criteria provided, multiple submitters, no conflicts (2 of 4 stars). 4 submissions from 4 submitters: Likely benign (3). 1 of the submissions does not count toward it. Last evaluated 2026-01-25.

Conditions:
PCLO-related disorder. Also called: PCLO-related condition.
Inborn genetic diseases. Identifiers: MedGen C0950123, MeSH D030342.

Allele frequency attached by ClinVar (database versions not stated): 1000 Genomes Project 0.00140; ESP Exome Variant Server 0.00238; gnomAD exomes 0.00056 and 0.00025; 1000 Genomes Project 30x 0.00172; gnomAD 0.00223 and 0.00202; ExAC 0.00071; TOPMed 0.00257.
gnomAD v4.1: 689 of 1,613,640 alleles (0.043%); highest among the groups gnomAD compares: African/African-American, 0.7%; 2 homozygotes.

Submissions (4):

Labcorp Genetics (formerly Invitae), Labcorp
Classification: Likely benign. Last evaluated: 2026-01-25. Review status: criteria provided, single submitter. Criteria: Invitae Variant Classification Sherloc (09022015). Collection method: clinical testing. Allele origin: germline.

Women's Health and Genetics/Laboratory Corporation of America, LabCorp
Classification: Likely benign. Last evaluated: 2025-09-08. Review status: criteria provided, single submitter. Criteria: LabCorp Variant Classification Summary - May 2015. Collection method: clinical testing. Allele origin: germline.
Comment: Variant summary: PCLO c.962A>G (p.His321Arg) results in a non-conservative amino acid change in the encoded protein sequence. Algorithms developed to predict the effect of missense changes on protein structure and function are either unavailable or do not agree on the potential impact of this missense change. The variant allele was found at a frequency of 0.00056 in 248746 control chromosomes, predominantly at a frequency of 0.0073 within the African or African-American subpopulation in the gnomAD database. The observed variant frequency within African or African-American control individuals in the gnomAD database exceeds the estimated maximal expected allele frequency for disease-causing variants in PCLO. To our knowledge, no occurrence of c.962A>G in individuals affected with PCLO-related conditions and no experimental evidence demonstrating its impact on protein function have been reported. ClinVar contains an entry for this variant (Variation ID: 768172). Based on the evidence outlined above, the variant was classified as likely benign.

Ambry Genetics
Classification: Likely benign for Inborn genetic diseases. Last evaluated: 2022-02-09. Review status: criteria provided, single submitter. Criteria: Ambry Variant Classification Scheme 2023. Collection method: clinical testing. Allele origin: germline.

PreventionGenetics, part of Exact Sciences
Classification: Benign for PCLO-related condition. Last evaluated: 2019-05-09. Review status: no assertion criteria provided. Collection method: clinical testing. Allele origin: germline. Not counted in ClinVar's aggregate classification.
Comment: This variant is classified as benign based on ACMG/AMP sequence variant interpretation guidelines (Richards et al. 2015 PMID: 25741868, with internal and published modifications).